The following is an entry in ClinVar:

NM_001098484.3(SLC4A4):c.2272G>C (p.Glu758Gln)

Gene: SLC4A4 (solute carrier family 4 member 4; plus strand). Cytogenetic location: 4q13.3.
Variant type: single nucleotide variant.
Coding change: c.2272G>C on transcript NM_001098484.3 (MANE Select); coding-DNA position 2272, G replaced by C.
Protein change: p.Glu758Gln; replaces glutamic acid 758 with glutamine.
Molecular consequence: missense variant.
Genome position (GRCh38, 1-based): chr4:71,532,167, G>C. VCF-style: chr4-71532167-G-C. GRCh37 (hg19) VCF-style: chr4-72397884-G-C.
Other names: c.2272G>C, p.Glu758Gln (NM_001134742.2); c.2140G>C, p.Glu714Gln (NM_003759.4); short protein forms E714Q, E758Q.
Identifiers: ClinVar variation 788523 (VCV000788523.12), dbSNP rs140846842, ClinGen allele CA2955054.

ClinVar aggregate classification (germline): Benign/Likely benign. Review status: criteria provided, multiple submitters, no conflicts (2 of 4 stars). 4 submissions from 4 submitters: Benign (2); Likely benign (2). Last evaluated 2025-12-30.

Conditions:
SLC4A4-related disorder. Also called: SLC4A4-related condition.
Autosomal recessive proximal renal tubular acidosis (PRTAO). Also called: RENAL TUBULAR ACIDOSIS, PROXIMAL, WITH OCULAR ABNORMALITIES AND MENTAL RETARDATION; RTA, PROXIMAL, AUTOSOMAL RECESSIVE; RENAL TUBULAR ACIDOSIS, PROXIMAL, WITH OCULAR ABNORMALITIES AND IMPAIRED INTELLECTUAL DEVELOPMENT; PROXIMAL RENAL TUBULAR ACIDOSIS-OCULAR ANOMALY SYNDROME. Identifiers: Orphanet 93607, MedGen C1970309, MONDO:0011422, OMIM 604278.

Allele frequency attached by ClinVar (database versions not stated): gnomAD exomes 0.00046 and 0.00122; ExAC 0.00161; gnomAD 0.00493 and 0.00528; ESP Exome Variant Server 0.00500; TOPMed 0.00538; 1000 Genomes Project 0.00579; 1000 Genomes Project 30x 0.00671.
gnomAD v4.1: 1,418 of 1,581,618 alleles (0.09%); highest among the groups gnomAD compares: African/African-American, 1.7%; 8 homozygotes.

Submissions (4):

Labcorp Genetics (formerly Invitae), Labcorp
Classification: Benign. Last evaluated: 2025-12-30. Review status: criteria provided, single submitter. Criteria: Invitae Variant Classification Sherloc (09022015). Collection method: clinical testing. Allele origin: germline.

PreventionGenetics, part of Exact Sciences
Classification: Benign for SLC4A4-related condition. Last evaluated: 2025-06-18. Review status: criteria provided, single submitter. Criteria: ACMG Guidelines, 2015. Collection method: clinical testing. Allele origin: germline.
Comment: This variant is classified as benign based on ACMG/AMP sequence variant interpretation guidelines (Richards et al. 2015 PMID: 25741868, with internal and published modifications).

Blueprint Genetics
Classification: Likely benign. Last evaluated: 2024-08-12. Review status: criteria provided, single submitter. Criteria: ACMG Guidelines, 2015. Collection method: clinical testing. Allele origin: germline.

Fulgent Genetics
Classification: Likely benign for Autosomal recessive proximal renal tubular acidosis. Last evaluated: 2022-04-18. Review status: criteria provided, single submitter. Criteria: ACMG Guidelines, 2015. Collection method: clinical testing. Allele origin: unknown.